The following is an entry in ClinVar:

ClinVar aggregate classification (germline): Uncertain significance (1 of 4 stars; one submission).

Conditions:
Curry-Hall syndrome (WAD). Also called: WEYERS ACRODENTAL DYSOSTOSIS. Identifiers: Orphanet 952, MedGen C0457013, MONDO:0008673, OMIM 193530.
Ellis-van Creveld syndrome (EVC). Also called: EVC-Related Ellis-van Creveld Syndrome; EVC2-Related Ellis-van Creveld Syndrome; MESOECTODERMAL DYSPLASIA; Chondroectodermal dysplasia. Identifiers: Orphanet 289, MedGen C0013903, MONDO:0009162, OMIM 225500.

Submission:

Labcorp Genetics (formerly Invitae), Labcorp
Classification: Uncertain significance for Curry-Hall syndrome; Ellis-van Creveld syndrome. Last evaluated: 2025-01-29. Review status: criteria provided, single submitter. Criteria: Invitae Variant Classification Sherloc (09022015). Collection method: clinical testing. Allele origin: germline.
Comment: This sequence change replaces glutamine, which is neutral and polar, with leucine, which is neutral and non-polar, at codon 725 of the EVC2 protein (p.Gln725Leu). This variant is not present in population databases (gnomAD no frequency). This variant has not been reported in the literature in individuals affected with EVC2-related conditions. An algorithm developed to predict the effect of missense changes on protein structure and function (PolyPhen-2) suggests that this variant is likely to be disruptive. In summary, the available evidence is currently insufficient to determine the role of this variant in disease. Therefore, it has been classified as a Variant of Uncertain Significance.

NM_147127.5(EVC2):c.2174A>T (p.Gln725Leu)

Gene: EVC2 (EvC ciliary complex subunit 2; minus strand). Cytogenetic location: 4p16.2.
Variant type: single nucleotide variant.
Coding change: c.2174A>T on transcript NM_147127.5 (MANE Select); coding-DNA position 2174, A replaced by T.
Protein change: p.Gln725Leu; replaces glutamine 725 with leucine.
Molecular consequence: missense variant.
Genome position (GRCh38, 1-based): chr4:5,622,864, T>A on the plus strand (A>T on the coding strand, the complement: EVC2 is on the minus strand). VCF-style: chr4-5622864-T-A. GRCh37 (hg19) VCF-style: chr4-5624591-T-A.
Other names: c.1934A>T, p.Gln645Leu (NM_001166136.2); short protein forms Q645L, Q725L.
Identifiers: ClinVar variation 3760398 (VCV003760398.2).